The following is an entry in ClinVar:

NM_022124.6(CDH23):c.*173C>T

Gene: CDH23 (cadherin related 23; plus strand). Cytogenetic location: 10q22.1.
Variant type: single nucleotide variant.
Coding change: c.*173C>T on transcript NM_022124.6 (MANE Select); 173 bases downstream of the stop codon, C replaced by T.
Molecular consequence: 3 prime UTR variant.
Genome position (GRCh38, 1-based): chr10:71,815,451, C>T. VCF-style: chr10-71815451-C-T. GRCh37 (hg19) VCF-style: chr10-73575208-C-T.
Other names: c.*173C>T (NM_001171933.1, NM_001171934.1, NM_001171935.1 and 1 more transcripts).
Identifiers: ClinVar variation 879161 (VCV000879161.7), dbSNP rs143222936, ClinGen allele CA209449380.
Genomic context (GRCh38, chr10:71,815,451, plus strand): 5'-GACAACCTTGGCTTGGCCCTGGCAGCCCGCATCAGCTGCTCAGATCCCACTTTTGCCAGA[C>T]GCTCATTCAGCATCTGACCTCTACCTTCATAAGATCTGTTATTTTTATAAGAAAACCAAA-3'

ClinVar aggregate classification (germline): Benign/Likely benign. Review status: criteria provided, multiple submitters, no conflicts (2 of 4 stars). 2 submissions from 2 submitters: Benign (1); Likely benign (1). Last evaluated 2018-07-14.

Conditions:
Usher syndrome type 1D (USH1D). Also called: USHER SYNDROME, TYPE ID. Identifiers: Orphanet 231169, Orphanet 886, MedGen C1832845, MONDO:0010984, OMIM 601067.

Allele frequency attached by ClinVar (database versions not stated): gnomAD exomes 0.00077; 1000 Genomes Project 0.00499; 1000 Genomes Project 30x 0.00500; gnomAD 0.00617 and 0.00719; TOPMed 0.00815.
gnomAD v4.1: 1,321 of 543,838 alleles (0.24%); highest among the groups gnomAD compares: African/African-American, 2.1%; 16 homozygotes.

Submissions (2):

GeneDx
Classification: Likely benign. Last evaluated: 2018-07-14. Review status: criteria provided, single submitter. Criteria: GeneDx Variant Classification Process June 2021. Collection method: clinical testing. Allele origin: germline. Affected: yes.

Illumina Laboratory Services, Illumina
Classification: Benign for Usher syndrome type 1D. Last evaluated: 2018-02-26. Review status: criteria provided, single submitter. Criteria: ICSL Variant Classification Criteria 13 December 2019. Collection method: clinical testing. Allele origin: germline.
Comment: This variant was observed in the ICSL laboratory as part of a predisposition screen in an ostensibly healthy population. It had not been previously curated by ICSL or reported in the Human Gene Mutation Database (HGMD: prior to June 1st, 2018), and was therefore a candidate for classification through an automated scoring system. Utilizing variant allele frequency, disease prevalence and penetrance estimates, and inheritance mode, an automated score was calculated to assess if this variant is too frequent to cause the disease. Based on the score and internal cut-off values, a variant classified as benign is not then subjected to further curation. The score for this variant resulted in a classification of benign for this disease.